The following is an entry in ClinVar:

ClinVar aggregate classification (germline): Uncertain significance. Review status: criteria provided, multiple submitters, no conflicts (2 of 4 stars). 3 submissions from 3 submitters: Uncertain significance (3). Last evaluated 2025-01-21.

Conditions:
Inborn genetic diseases. Identifiers: MedGen C0950123, MeSH D030342.

Allele frequency attached by ClinVar (database versions not stated): gnomAD exomes below 0.00001; TOPMed below 0.00001; gnomAD 0.00001.
gnomAD v4.1: 3 of 1,614,066 alleles (0.00019%); highest among the groups gnomAD compares: Admixed American, 0.0017%; no homozygotes.

Submissions (3):

Ambry Genetics
Classification: Uncertain significance for Inborn genetic diseases. Last evaluated: 2025-01-21. Review status: criteria provided, single submitter. Criteria: Ambry Variant Classification Scheme 2023. Collection method: clinical testing. Allele origin: germline.

Labcorp Genetics (formerly Invitae), Labcorp
Classification: Uncertain significance. Last evaluated: 2025-01-06. Review status: criteria provided, single submitter. Criteria: Invitae Variant Classification Sherloc (09022015). Collection method: clinical testing. Allele origin: germline.
Comment: This sequence change replaces arginine, which is basic and polar, with glutamine, which is neutral and polar, at codon 426 of the CACNA1D protein (p.Arg426Gln). This variant is not present in population databases (gnomAD no frequency). This variant has not been reported in the literature in individuals affected with CACNA1D-related conditions. ClinVar contains an entry for this variant (Variation ID: 1313034). Invitae Evidence Modeling of protein sequence and biophysical properties (such as structural, functional, and spatial information, amino acid conservation, physicochemical variation, residue mobility, and thermodynamic stability) indicates that this missense variant is not expected to disrupt CACNA1D protein function with a negative predictive value of 80%. In summary, the available evidence is currently insufficient to determine the role of this variant in disease. Therefore, it has been classified as a Variant of Uncertain Significance.

GeneDx
Classification: Uncertain significance. Last evaluated: 2020-07-08. Review status: criteria provided, single submitter. Criteria: GeneDx Variant Classification Process June 2021. Collection method: clinical testing. Allele origin: germline. Affected: yes.
Comment: Not observed in large population cohorts (Lek et al., 2016); In silico analysis supports that this missense variant has a deleterious effect on protein structure/function; Has not been previously published as pathogenic or benign to our knowledge

NM_001128840.3(CACNA1D):c.1277G>A (p.Arg426Gln)

Gene: CACNA1D (calcium voltage-gated channel subunit alpha1 D; plus strand). Cytogenetic location: 3p21.1.
Variant type: single nucleotide variant.
Coding change: c.1277G>A on transcript NM_001128840.3 (MANE Select); coding-DNA position 1277, G replaced by A.
Protein change: p.Arg426Gln; replaces arginine 426 with glutamine.
Molecular consequence: missense variant.
Genome position (GRCh38, 1-based): chr3:53,702,697, G>A. VCF-style: chr3-53702697-G-A. GRCh37 (hg19) VCF-style: chr3-53736724-G-A.
Other names: c.1277G>A, p.Arg426Gln (NM_000720.4, NM_001128839.3); short protein forms R426Q.
Identifiers: ClinVar variation 1313034 (VCV001313034.7), dbSNP rs2094639103, ClinGen allele CA353384361.
Genomic context (GRCh38, chr3:53,702,697, plus strand): 5'-TCAGAGAATTCTCAAAGGAAAGAGAGAAGGCAAAAGCACGGGGAGATTTCCAGAAGCTCC[G>A]GGAGAAGCAGCAGCTGGAGGAGGATCTAAAGGGCTACTTGGATTGGATCACCCAAGCTGA-3'
Protein context (NP_001122312.1, residues 416-436): AKARGDFQKL[Arg426Gln]EKQQLEEDLK